The following is an entry in ClinVar:

ClinVar aggregate classification (germline): Uncertain significance (1 of 4 stars; one submission).

Allele frequency attached by ClinVar (database versions not stated): gnomAD 0.00001; ExAC 0.00002; TOPMed 0.00002; gnomAD exomes 0.00003.
gnomAD v4.1: 37 of 1,606,656 alleles (0.0023%); highest among the groups gnomAD compares: Non-Finnish European, 0.0031%; no homozygotes.

Submission:

Labcorp Genetics (formerly Invitae), Labcorp
Classification: Uncertain significance. Last evaluated: 2024-09-16. Review status: criteria provided, single submitter. Criteria: Invitae Variant Classification Sherloc (09022015). Collection method: clinical testing. Allele origin: germline.
Comment: This sequence change falls in intron 5 of the OAS1 gene. It does not directly change the encoded amino acid sequence of the OAS1 protein. This variant is present in population databases (rs777030755, gnomAD 0.003%). This variant has not been reported in the literature in individuals affected with OAS1-related conditions. Algorithms developed to predict the effect of sequence changes on RNA splicing suggest that this variant may disrupt the consensus splice site. In summary, the available evidence is currently insufficient to determine the role of this variant in disease. Therefore, it has been classified as a Variant of Uncertain Significance.

NM_016816.4(OAS1):c.1039-12T>A

Gene: OAS1 (2'-5'-oligoadenylate synthetase 1; plus strand). Cytogenetic location: 12q24.13.
Variant type: single nucleotide variant.
Coding change: c.1039-12T>A on transcript NM_016816.4 (MANE Select); 12 bases into the intron before coding-DNA position 1039, T replaced by A.
Molecular consequence: intron variant. On other transcripts: 3 prime UTR variant (5), non-coding transcript variant (4).
Genome position (GRCh38, 1-based): chr12:112,919,377, T>A. VCF-style: chr12-112919377-T-A. GRCh37 (hg19) VCF-style: chr12-113357182-T-A.
Other names: c.*664T>A (NM_001406022.1, NM_001406023.1, NM_001406029.1); c.*1620T>A (NM_001406024.1, NM_001406030.1); c.1038+1677T>A (NM_001320151.2); c.1014+1677T>A (NM_001406025.1); c.1039-110T>A (NM_001032409.3); c.1015-12T>A (NM_001406021.1); c.1015-110T>A (NM_001406020.1); c.565-12T>A (NM_001406027.1); and 1 more.
Identifiers: ClinVar variation 2994767 (VCV002994767.3), dbSNP rs777030755, ClinGen allele CA6799988.